The following is an entry in ClinVar:

ClinVar aggregate classification (germline): Benign. Review status: criteria provided, multiple submitters, no conflicts (2 of 4 stars). 2 submissions from 2 submitters: Benign (2). Last evaluated 2018-01-13.

Conditions:
Charcot-Marie-Tooth disease type 2B (CMT2B). Also called: Charcot-Marie-Tooth Neuropathy Type 2B; CHARCOT-MARIE-TOOTH DISEASE, AXONAL, TYPE 2B; CHARCOT-MARIE-TOOTH DISEASE, AUTOSOMAL DOMINANT, TYPE 2B; HEREDITARY MOTOR AND SENSORY NEUROPATHY IIB. Identifiers: Orphanet 99936, MedGen C1833219, MONDO:0010949, OMIM 600882.

Allele frequency attached by ClinVar (database versions not stated): gnomAD 0.00395; TOPMed 0.00407; 1000 Genomes Project 0.00479.
gnomAD v4.1: 3,698 of 630,238 alleles (0.59%); highest among the groups gnomAD compares: South Asian, 1.9%; 27 homozygotes.

Submissions (2):

Illumina Laboratory Services, Illumina
Classification: Benign for Charcot-Marie-Tooth disease type 2B. Last evaluated: 2018-01-13. Review status: criteria provided, single submitter. Criteria: ICSL Variant Classification Criteria 13 December 2019. Collection method: clinical testing. Allele origin: germline.
Comment: This variant was observed in the ICSL laboratory as part of a predisposition screen in an ostensibly healthy population. It had not been previously curated by ICSL or reported in the Human Gene Mutation Database (HGMD: prior to June 1st, 2018), and was therefore a candidate for classification through an automated scoring system. Utilizing variant allele frequency, disease prevalence and penetrance estimates, and inheritance mode, an automated score was calculated to assess if this variant is too frequent to cause the disease. Based on the score and internal cut-off values, a variant classified as benign is not then subjected to further curation. The score for this variant resulted in a classification of benign for this disease.

Breakthrough Genomics
Classification: Benign. Review status: criteria provided, single submitter. Criteria: ACMG Guidelines, 2015. Collection method: not provided. Allele origin: germline. Inheritance: Autosomal dominant inheritance. Affected: yes.

NM_004637.6(RAB7A):c.*163T>G

Gene: RAB7A (RAB7A, member RAS oncogene family; plus strand). Cytogenetic location: 3q21.3.
Variant type: single nucleotide variant.
Coding change: c.*163T>G on transcript NM_004637.6 (MANE Select); 163 bases downstream of the stop codon, T replaced by G.
Molecular consequence: 3 prime UTR variant.
Genome position (GRCh38, 1-based): chr3:128,813,585, T>G. VCF-style: chr3-128813585-T-G. GRCh37 (hg19) VCF-style: chr3-128532428-T-G.
Identifiers: ClinVar variation 343162 (VCV000343162.6), dbSNP rs182521602, ClinGen allele CA10615233.